The following is an entry in ClinVar:

ClinVar aggregate classification (germline): Uncertain significance (1 of 4 stars; one submission).

Conditions:
Nephronophthisis. Also called: Juvenile Nephronophthisis. Identifiers: Orphanet 655, MedGen C0687120, MONDO:0019005, HP:0000090.
Meckel-Gruber syndrome. Also called: DYSENCEPHALIA SPLANCHNOCYSTICA; GRUBER SYNDROME; Dysencephalia splachnocystica. Identifiers: Orphanet 564, MedGen C0265215, MONDO:0018921.
Joubert syndrome. Also called: CEREBELLOPARENCHYMAL DISORDER IV; JOUBERT-BOLTSHAUSER SYNDROME; Familial aplasia of the vermis. Identifiers: Orphanet 475, MedGen C5979921, MONDO:0018772.

Allele frequency attached by ClinVar (database versions not stated): gnomAD exomes below 0.00001.
gnomAD v4.1: 1 of 1,317,262 alleles (0.000076%); highest among the groups gnomAD compares: Non-Finnish European, 0.0001%; no homozygotes.

Submission:

Labcorp Genetics (formerly Invitae), Labcorp
Classification: Uncertain significance for Joubert syndrome; Meckel-Gruber syndrome; Nephronophthisis. Last evaluated: 2021-06-30. Review status: criteria provided, single submitter. Criteria: Invitae Variant Classification Sherloc (09022015). Collection method: clinical testing. Allele origin: germline.
Comment: Algorithms developed to predict the effect of missense changes on protein structure and function output the following: SIFT: "Tolerated"; PolyPhen-2: "Benign"; Align-GVGD: "Class C0". The isoleucine amino acid residue is found in multiple mammalian species, suggesting that this missense change does not adversely affect protein function. These predictions have not been confirmed by published functional studies and their clinical significance is uncertain. This sequence change replaces valine with isoleucine at codon 371 of the CEP290 protein (p.Val371Ile). The valine residue is moderately conserved and there is a small physicochemical difference between valine and isoleucine. This variant is not present in population databases (ExAC no frequency). This variant has not been reported in the literature in individuals with CEP290-related conditions. In summary, the available evidence is currently insufficient to determine the role of this variant in disease. Therefore, it has been classified as a Variant of Uncertain Significance.

NM_025114.4(CEP290):c.1111G>A (p.Val371Ile)

Gene: CEP290 (centrosomal protein 290; minus strand). Cytogenetic location: 12q21.32.
Variant type: single nucleotide variant.
Coding change: c.1111G>A on transcript NM_025114.4 (MANE Select); coding-DNA position 1111, G replaced by A.
Protein change: p.Val371Ile; replaces valine 371 with isoleucine.
Molecular consequence: missense variant.
Genome position (GRCh38, 1-based): chr12:88,125,324, C>T on the plus strand (G>A on the coding strand, the complement: CEP290 is on the minus strand). VCF-style: chr12-88125324-C-T. GRCh37 (hg19) VCF-style: chr12-88519101-C-T.
Other names: short protein forms V371I.
Identifiers: ClinVar variation 1502878 (VCV001502878.6), dbSNP rs2138002338, ClinGen allele CA385981393.